The following is an entry in ClinVar:

NM_001943.5(DSG2):c.1727del (p.Gln576fs)

Gene: DSG2 (desmoglein 2; plus strand). Cytogenetic location: 18q12.1.
Variant type: Deletion.
Coding change: c.1727del on transcript NM_001943.5 (MANE Select); coding-DNA position 1727, one base deleted (A; older notation c.1727delA).
Protein change: p.Gln576fs; shifts the reading frame from glutamine 576.
Molecular consequence: frameshift variant.
Genome position (GRCh38, 1-based): chr18:31,538,826, A deleted. VCF-style (leftmost placement, unchanged base first): chr18-31538825-CA-C. GRCh37 (hg19) VCF-style: chr18-29118788-CA-C.
Other names: short protein forms Q576fs.
Identifiers: ClinVar variation 4850737 (VCV004850737.1).

ClinVar aggregate classification (germline): Likely pathogenic (1 of 4 stars; one submission).

Conditions:
Arrhythmogenic right ventricular dysplasia 10. Also called: ARRHYTHMOGENIC RIGHT VENTRICULAR DYSPLASIA, FAMILIAL, 10; Arrhythmogenic Right Ventricular Dysplasia/Cardiomyopathy10; Arrhythmogenic right ventricular dysplasia/cardiomyopathy, type 10. Identifiers: MedGen C1857777, MONDO:0012434, OMIM 610193.

Submission:

Variantyx, Inc.
Classification: Likely pathogenic for Arrhythmogenic right ventricular dysplasia 10. Last evaluated: 2025-12-04. Review status: criteria provided, single submitter. Criteria: Variantyx Assertion Criteria 2022. Collection method: clinical testing. Allele origin: germline. Inheritance: Autosomal dominant inheritance. Affected: yes.
Comment: This is a frameshift variant in the DSG2 gene (OMIM: 125671). Pathogenic variants in this gene have been associated with autosomal dominant arrhythmogenic right ventricular dysplasia 10. This variant introduces a premature termination codon in exon 12 out of 15and is expected to result in loss of function, which is a known disease mechanism for DSG2 in this disorder (PMID: 17105751, 31386562) (PVS1). This variant is absent from control populations (PM2) and it has not been reported previously in individuals with DSG2-related disorders in the databases available for review. Based on the current evidence, this variant is classified as likely pathogenic for autosomal dominant arrhythmogenic right ventricular dysplasia 10.

Literature cited by the submitters: PubMed 17105751; PubMed 31386562.